The following is an entry in ClinVar:

NM_001813.3(CENPE):c.8064C>T (p.His2688=)

Gene: CENPE (centromere protein E; minus strand). Cytogenetic location: 4q24.
Variant type: single nucleotide variant.
Coding change: c.8064C>T on transcript NM_001813.3 (MANE Select); coding-DNA position 8064, C replaced by T.
Protein change: p.His2688=; no amino-acid change (histidine 2688 retained).
Molecular consequence: synonymous variant.
Genome position (GRCh38, 1-based): chr4:103,106,264, G>A on the plus strand (C>T on the coding strand, the complement: CENPE is on the minus strand). VCF-style: chr4-103106264-G-A. GRCh37 (hg19) VCF-style: chr4-104027421-G-A.
Other names: c.7701C>T, p.His2567= (NM_001286734.2).
Identifiers: ClinVar variation 4873385 (VCV004873385.2).

ClinVar aggregate classification (germline): Likely benign (1 of 4 stars; one submission).

gnomAD v4.1: 11 of 1,602,052 alleles (0.00069%); highest among the groups gnomAD compares: Admixed American, 0.0085%; no homozygotes.

Submission:

CeGaT Center for Human Genetics Tuebingen
Classification: Likely benign. Last evaluated: 2026-05-01. Review status: criteria provided, single submitter. Criteria: CeGaT Center For Human Genetics Tuebingen Variant Classification Criteria Version 2. Collection method: clinical testing. Allele origin: germline. Affected: yes. Observed: 1 variant allele.
Comment: CENPE: BP4, BP7